The following is an entry in ClinVar:

ClinVar aggregate classification (germline): Pathogenic (1 of 4 stars; one submission).

Conditions:
RYR1-related disorder. Also called: RYR1-related condition; RYR1-related disorders. Identifiers: MedGen CN239331.

Submission:

Labcorp Genetics (formerly Invitae), Labcorp
Classification: Pathogenic for RYR1-related disorder. Last evaluated: 2023-04-30. Review status: criteria provided, single submitter. Criteria: Invitae Variant Classification Sherloc (09022015). Collection method: clinical testing. Allele origin: germline.
Comment: This variant is not present in population databases (gnomAD no frequency). This variant has not been reported in the literature in individuals affected with RYR1-related conditions. For these reasons, this variant has been classified as Pathogenic. This sequence change creates a premature translational stop signal (p.Val1470Serfs*2) in the RYR1 gene. It is expected to result in an absent or disrupted protein product. Loss-of-function variants in RYR1 are known to be pathogenic (PMID: 23919265, 25960145, 28818389, 30611313).

Literature cited by the submitters: PubMed 23919265; PubMed 25960145; PubMed 28818389; PubMed 30611313.

NM_000540.3(RYR1):c.4408del (p.Val1470fs)

Gene: RYR1 (ryanodine receptor 1; plus strand). Cytogenetic location: 19q13.2.
Variant type: Deletion.
Coding change: c.4408del on transcript NM_000540.3 (MANE Select); coding-DNA position 4408, one base deleted (G; older notation c.4408delG).
Protein change: p.Val1470fs; shifts the reading frame from valine 1470.
Molecular consequence: frameshift variant.
Genome position (GRCh38, 1-based): chr19:38,477,824, G deleted; the last of 3 consecutive G bases (chr19:38,477,822-38,477,824); deleting any one gives the same sequence. VCF-style (leftmost placement, unchanged base first): chr19-38477821-CG-C. GRCh37 (hg19) VCF-style: chr19-38968461-CG-C.
Other names: c.4408del, p.Val1470fs (NM_001042723.2); short protein forms V1470fs.
Identifiers: ClinVar variation 2860911 (VCV002860911.3), dbSNP rs2514178001, ClinGen allele CA2739276817.